The following continues an entry in ClinVar:

NM_007294.4(BRCA1):c.190T>C (p.Cys64Arg)

Gene: BRCA1. ClinVar aggregate classification (germline): Pathogenic. Pathogenic (14).

Submissions 8 to 20 of 20:

Color Diagnostics, LLC DBA Color Health
Classification: Pathogenic for Hereditary cancer-predisposing syndrome. Last evaluated: 2023-05-10. Review status: criteria provided, single submitter. Criteria: ACMG Guidelines, 2015. Collection method: clinical testing. Allele origin: germline.
Comment: This missense variant replaces cysteine with arginine at codon 64 of the BRCA1 protein. Computational prediction suggests that this variant may have deleterious impact on protein structure and function (internally defined REVEL score threshold >= 0.7, PMID: 27666373). This variant alters a conserved cysteine in the RING domain and functional studies have reported that this variant impacts BRCA1 function in homology-directed repair, BARD1 binding, ubiquitin E3 ligase, a haploid cell proliferation, sensitivity to ionizing radiation and PARP inhibitors and chromosomal instability assays (PMID: 24516540, 25823446, 26246475, 28398198, 30209399). This variant has been reported in over 90 individuals affected with breast and ovarian cancer and in suspected hereditary breast and ovarian cancer families in Europe, Asia and South America (PMID: 8875986, 11462239, 14531499, 16140926, 19287957, 24516540, 24249303, 27741520, 28993434, 30103829, 30702160, 30972954, 34906479). Haplotype analysis indicates that this variant is a founder mutation in Italy (PMID: 24516540). This variant has been reported to confer lower risk for breast cancer and high risk for ovarian cancer compared to other pathogenic BRCA1 variants (PMID: 34906479). This variant has not been identified in the general population by the Genome Aggregation Database (gnomAD). Based on the available evidence, this variant is classified as Pathogenic.

Baylor Genetics
Classification: Pathogenic for Breast-ovarian cancer, familial, susceptibility to, 1. Last evaluated: 2022-12-16. Review status: criteria provided, single submitter. Criteria: ACMG Guidelines, 2015. Collection method: clinical testing. Allele origin: unknown.

Mendelics
Classification: Pathogenic for Familial cancer of breast. Last evaluated: 2022-05-04. Review status: criteria provided, single submitter. Criteria: Mendelics Assertion Criteria 2019. Collection method: clinical testing. Allele origin: germline.

Laboratory for Molecular Medicine, Mass General Brigham Personalized Medicine
Classification: Pathogenic for Hereditary breast ovarian cancer syndrome. Last evaluated: 2020-01-10. Review status: criteria provided, single submitter. Criteria: LMM Criteria. Collection method: clinical testing. Allele origin: germline. Inheritance: Autosomal dominant inheritance. Observed: 1 variant allele.
Comment: The p.Cys64Arg variant in BRCA1 has been identified in >50 pan-ethnic individuals with BRCA1-associated cancers and segregated with disease in at least 15 individuals from several families (Caligo 1996, Willems 2009, Marchina 2010, Caleca 2014, Shi 2017, Park 2017, Rebbeck 2018, Cardoso 2018, Palmero 2018, Wen 2018, Li 2019, Deng 2019, Bhaskaran 2019, Breast Cancer Information Core (BIC). This variant has been described as a founder variant in the Italian population (Caleca 2014). In addition, it has also been reported by other clinical laboratories in ClinVar (Variation ID 54394) and was absent from large population studies. Computational prediction tools and conservation analysis suggest that this variant may impact the protein, and in vitro functional studies support an impact on protein function (Willems 2009, Caleca 2014, Cochran 2015, Findlay 2018). Another variant involving this codon (p.Cys64Gly) has been identified in individuals with hereditary breast and ovarian cancer (HBOC) and is currently classified as pathogenic by this laboratory. In summary, this variant meets criteria to be classified as pathogenic for autosomal dominant HBOC. ACMG/AMP Criteria applied: PS4, PM2, PM5, PS3_Supporting, PP1_Strong, PP3.

Institute of Human Genetics, University of Leipzig Medical Center
Classification: Pathogenic for Breast-ovarian cancer, familial, susceptibility to, 1. Last evaluated: 2019-10-23. Review status: criteria provided, single submitter. Criteria: ACMG Guidelines, 2015. Collection method: clinical testing. Allele origin: germline. Affected: yes.

Consortium of Investigators of Modifiers of BRCA1/2 (CIMBA), c/o University of Cambridge
Classification: Pathogenic for Breast-ovarian cancer, familial, susceptibility to, 1. Last evaluated: 2015-10-02. Review status: criteria provided, single submitter. Criteria: CIMBA Mutation Classification guidelines May 2016. Collection method: clinical testing. Allele origin: germline.

Genesis Genomics
Classification: Pathogenic for Breast-ovarian cancer, familial, susceptibility to, 1. Review status: criteria provided, single submitter. Criteria: ACMG Guidelines, 2015. Collection method: clinical testing. Allele origin: germline. Affected: yes. Observed: 1 variant allele.

Laboratory for Genotyping Development, RIKEN
Classification: Pathogenic for Gastric cancer. Last evaluated: 2021-07-01. Review status: no assertion criteria provided. Collection method: research. Allele origin: germline. Not counted in ClinVar's aggregate classification.

BRCAlab, Lund University
Classification: Pathogenic for Breast-ovarian cancer, familial, susceptibility to, 1. Last evaluated: 2020-03-02. Review status: no assertion criteria provided. Collection method: clinical testing. Allele origin: germline. Affected: yes. Not counted in ClinVar's aggregate classification.

Research Molecular Genetics Laboratory, Women's College Hospital, University of Toronto
Classification: Uncertain significance. Last evaluated: 2014-01-31. Review status: no assertion criteria provided. Collection method: research. Allele origin: germline. Affected: yes. Study: The Canadian Open Genetics Repository (COGR). Not counted in ClinVar's aggregate classification.

Sharing Clinical Reports Project (SCRP)
Classification: Pathogenic for Breast-ovarian cancer, familial 1. Last evaluated: 2012-05-01. Review status: no assertion criteria provided. Collection method: clinical testing. Allele origin: germline. Not counted in ClinVar's aggregate classification.

Breast Cancer Information Core (BIC) (BRCA1)
Classification: Uncertain significance for Breast-ovarian cancer, familial 1. Last evaluated: 2002-05-29. Review status: no assertion criteria provided. Collection method: clinical testing. Allele origin: germline. Affected: yes. Observed: 13 variant alleles. Not counted in ClinVar's aggregate classification.

Brotman Baty Institute, University of Washington
No classification provided (evidence only). Condition: Breast-ovarian cancer, familial 1. Review status: no classification provided. Collection method: in vitro. Allele origin: not applicable. Functional consequence: functionally_abnormal. Not counted in ClinVar's aggregate classification.
ClinVar note: "not provided" was previously submitted as the classification for the variant. However, the classification appeared to be based only on an observation of functional data so it was converted to no classification on 2025-07-30.

Literature cited by the submitters: PubMed 30209399 (cited by 7 submitters); PubMed 19287957 (cited by 5 submitters); PubMed 24516540 (cited by 7 submitters); PubMed 25823446 (cited by 5 submitters); PubMed 8875986 (cited by 5 submitters); PubMed 11462239 (cited by 4 submitters); PubMed 29446198 (cited by 3 submitters); PubMed 29907814 (cited by 3 submitters); PubMed 14531499 (cited by 4 submitters); PubMed 21042765 (cited by 4 submitters); PubMed 24249303 (cited by 3 submitters); PubMed 27741520 (cited by 3 submitters); PubMed 9042907 (cited by Labcorp Genetics (formerly Invitae), Labcorp and Quest Diagnostics Nichols Institute San Juan Capistrano); PubMed 12732733 (cited by Labcorp Genetics (formerly Invitae), Labcorp and Quest Diagnostics Nichols Institute San Juan Capistrano); PubMed 16140926 (cited by 3 submitters); PubMed 20103620 (cited by Labcorp Genetics (formerly Invitae), Labcorp and Quest Diagnostics Nichols Institute San Juan Capistrano); PubMed 23161852 (cited by Labcorp Genetics (formerly Invitae), Labcorp and Quest Diagnostics Nichols Institute San Juan Capistrano); PubMed 23867111 (cited by Labcorp Genetics (formerly Invitae), Labcorp and Quest Diagnostics Nichols Institute San Juan Capistrano); PubMed 26689913 (cited by Labcorp Genetics (formerly Invitae), Labcorp and Quest Diagnostics Nichols Institute San Juan Capistrano); PubMed 21523855 (cited by Ambry Genetics and Quest Diagnostics Nichols Institute San Juan Capistrano); PubMed 26246475 (cited by 4 submitters); PubMed 38409497 (cited by Quest Diagnostics Nichols Institute San Juan Capistrano); PubMed 34906479 (cited by Quest Diagnostics Nichols Institute San Juan Capistrano and Color Diagnostics, LLC DBA Color Health); PubMed 30972954 (cited by 3 submitters); PubMed 30702160 (cited by 3 submitters); PubMed 30103829 (cited by 3 submitters); PubMed 28993434 (cited by 3 submitters); PubMed 28398198 (cited by Quest Diagnostics Nichols Institute San Juan Capistrano and Color Diagnostics, LLC DBA Color Health); PubMed 28176296 (cited by Quest Diagnostics Nichols Institute San Juan Capistrano and Laboratory for Molecular Medicine, Mass General Brigham Personalized Medicine); PubMed 15235020 (cited by Quest Diagnostics Nichols Institute San Juan Capistrano and Laboratory for Molecular Medicine, Mass General Brigham Personalized Medicine); PubMed 30726305 (cited by Quest Diagnostics Nichols Institute San Juan Capistrano); PubMed 33573335 (cited by Quest Diagnostics Nichols Institute San Juan Capistrano); PubMed 38386807 (cited by Quest Diagnostics Nichols Institute San Juan Capistrano); PubMed 34072659 (cited by Quest Diagnostics Nichols Institute San Juan Capistrano); PubMed 35980532 (cited by Quest Diagnostics Nichols Institute San Juan Capistrano); PubMed 29752822 (cited by Quest Diagnostics Nichols Institute San Juan Capistrano and Laboratory for Molecular Medicine, Mass General Brigham Personalized Medicine); PubMed 28111427 (cited by Quest Diagnostics Nichols Institute San Juan Capistrano and Laboratory for Molecular Medicine, Mass General Brigham Personalized Medicine); PubMed 36988593 (cited by Laboratory for Genotyping Development, RIKEN).